The following is an entry in ClinVar:

ClinVar aggregate classification (germline): Uncertain significance. Review status: criteria provided, multiple submitters, no conflicts (2 of 4 stars). 2 submissions from 2 submitters: Uncertain significance (2). Last evaluated 2025-10-15.

Conditions:
Inborn genetic diseases. Identifiers: MedGen C0950123, MeSH D030342.

Allele frequency attached by ClinVar (database versions not stated): gnomAD 0.00001.
gnomAD v4.1: 56 of 1,551,062 alleles (0.0036%); highest among the groups gnomAD compares: Middle Eastern, 0.017%; no homozygotes.

Submissions (2):

Ambry Genetics
Classification: Uncertain significance for Inborn genetic diseases. Last evaluated: 2025-10-15. Review status: criteria provided, single submitter. Criteria: Ambry Variant Classification Scheme 2023. Collection method: clinical testing. Allele origin: germline.

Labcorp Genetics (formerly Invitae), Labcorp
Classification: Uncertain significance. Last evaluated: 2022-08-16. Review status: criteria provided, single submitter. Criteria: Invitae Variant Classification Sherloc (09022015). Collection method: clinical testing. Allele origin: germline.
Comment: This sequence change replaces asparagine, which is neutral and polar, with lysine, which is basic and polar, at codon 889 of the UNC80 protein (p.Asn889Lys). This variant is not present in population databases (gnomAD no frequency). This variant has not been reported in the literature in individuals affected with UNC80-related conditions. ClinVar contains an entry for this variant (Variation ID: 1489342). Algorithms developed to predict the effect of missense changes on protein structure and function are either unavailable or do not agree on the potential impact of this missense change (SIFT: "Not Available"; PolyPhen-2: "Probably Damaging"; Align-GVGD: "Not Available"). In summary, the available evidence is currently insufficient to determine the role of this variant in disease. Therefore, it has been classified as a Variant of Uncertain Significance.

NM_001371986.1(UNC80):c.2667C>A (p.Asn889Lys)

Gene: UNC80 (unc-80 subunit of NALCN channel complex; plus strand). Cytogenetic location: 2q34.
Variant type: single nucleotide variant.
Coding change: c.2667C>A on transcript NM_001371986.1 (MANE Select); coding-DNA position 2667, C replaced by A.
Protein change: p.Asn889Lys; replaces asparagine 889 with lysine.
Molecular consequence: missense variant.
Genome position (GRCh38, 1-based): chr2:209,831,483, C>A. VCF-style: chr2-209831483-C-A. GRCh37 (hg19) VCF-style: chr2-210696207-C-A.
Other names: c.2667C>A, p.Asn889Lys (NM_032504.2); c.2652C>A, p.Asn884Lys (NM_182587.4); c.2667C>A (NM_032504.1); short protein forms N884K, N889K.
Identifiers: ClinVar variation 1489342 (VCV001489342.8), dbSNP rs768931804, ClinGen allele CA2083041.
Genomic context (GRCh38, chr2:209,831,483, plus strand): 5'-TTTGTGCCTTTGCATTCCAGACAAGGCTGGGTTTGGAAATAACTTCACCACAGTGGACAA[C>A]AAATCCACAGCCCAAAATGTGGAAGGCATTATCGTCAGCGCCATGTTTAAATCCCTCATC-3'
Protein context (NP_001358915.1, residues 879-899): GFGNNFTTVD[Asn889Lys]KSTAQNVEGI